The following is an entry in ClinVar:

ClinVar aggregate classification (germline): Likely benign. Review status: criteria provided, multiple submitters, no conflicts (2 of 4 stars). 3 submissions from 3 submitters: Likely benign (3). Last evaluated 2026-09-01.

Allele frequency attached by ClinVar (database versions not stated): 1000 Genomes Project 30x 0.00016; gnomAD 0.00026; TOPMed 0.00032; ESP Exome Variant Server 0.00046.
gnomAD v4.1: 410 of 1,614,190 alleles (0.025%); highest among the groups gnomAD compares: Middle Eastern, 0.049%; no homozygotes.

Submissions (3):

CeGaT Center for Human Genetics Tuebingen
Classification: Likely benign. Last evaluated: 2026-09-01. Review status: criteria provided, single submitter. Criteria: CeGaT Center For Human Genetics Tuebingen Variant Classification Criteria Version 2. Collection method: clinical testing. Allele origin: germline. Affected: yes. Observed: 2 variant alleles.
Comment: CAMTA1: BP4, BP7

Labcorp Genetics (formerly Invitae), Labcorp
Classification: Likely benign. Last evaluated: 2025-10-27. Review status: criteria provided, single submitter. Criteria: Invitae Variant Classification Sherloc (09022015). Collection method: clinical testing. Allele origin: germline.

Blueprint Genetics
Classification: Likely benign. Last evaluated: 2024-09-19. Review status: criteria provided, single submitter. Criteria: ACMG Guidelines, 2015. Collection method: clinical testing. Allele origin: germline.

NM_015215.4(CAMTA1):c.4452C>T (p.Phe1484=)

Gene: CAMTA1 (calmodulin binding transcription activator 1; plus strand). Cytogenetic location: 1p36.23.
Variant type: single nucleotide variant.
Coding change: c.4452C>T on transcript NM_015215.4 (MANE Select); coding-DNA position 4452, C replaced by T.
Protein change: p.Phe1484=; no amino-acid change (phenylalanine 1484 retained).
Molecular consequence: synonymous variant.
Genome position (GRCh38, 1-based): chr1:7,745,926, C>T. VCF-style: chr1-7745926-C-T. GRCh37 (hg19) VCF-style: chr1-7805986-C-T.
Other names: c.4362C>T, p.Phe1454= (NM_001349608.2); c.4113C>T, p.Phe1371= (NM_001349609.2, NM_001349610.2); c.4023C>T, p.Phe1341= (NM_001349612.2); c.1581C>T, p.Phe527= (NM_001349613.1); c.1524C>T, p.Phe508= (NM_001349614.1, NM_001349615.2, NM_001349616.2 and 2 more transcripts); c.1185C>T, p.Phe395= (NM_001349619.2, NM_001349620.1, NM_001349621.1 and 5 more transcripts).
Identifiers: ClinVar variation 713261 (VCV000713261.17), dbSNP rs139839670, ClinGen allele CA567162.